The following is an entry in ClinVar:

NM_203447.4(DOCK8):c.3556G>A (p.Val1186Ile)

Gene: DOCK8 (dedicator of cytokinesis 8; plus strand). Cytogenetic location: 9p24.3.
Variant type: single nucleotide variant.
Coding change: c.3556G>A on transcript NM_203447.4 (MANE Select); coding-DNA position 3556, G replaced by A.
Protein change: p.Val1186Ile; replaces valine 1186 with isoleucine.
Molecular consequence: missense variant.
Genome position (GRCh38, 1-based): chr9:414,807, G>A. VCF-style: chr9-414807-G-A. GRCh37 (hg19) VCF-style: chr9-414807-G-A.
Other names: c.3256G>A, p.Val1086Ile (NM_001190458.2); c.3352G>A, p.Val1118Ile (NM_001193536.2); short protein forms V1086I, V1118I, V1186I.
Identifiers: ClinVar variation 1723501 (VCV001723501.8), dbSNP rs1432928897, ClinGen allele CA372760270.
Genomic context (GRCh38, chr9:414,807, plus strand): 5'-ACCATAACCTCTTGATTCCTGTGTTGTGCCAACAGAATCAGCAAAGTACAAAGGAAAGCT[G>A]TCAGTGCAATTCACAGCCTGCTAAGTTCTCACGACCTGGACCCACGCTGTGTCAAACCAG-3'
Protein context (NP_982272.2, residues 1176-1196): EGISKVQRKA[Val1186Ile]SAIHSLLSSH

ClinVar aggregate classification (germline): Uncertain significance. Review status: criteria provided, multiple submitters, no conflicts (2 of 4 stars). 3 submissions from 3 submitters: Uncertain significance (3). Last evaluated 2023-04-03.

Conditions:
Combined immunodeficiency due to DOCK8 deficiency (HIES2). Also called: HIES autosomal recessive; DOCK8 Deficiency; HYPER-IgE RECURRENT INFECTION SYNDROME 2, AUTOSOMAL RECESSIVE; HYPER-IgE SYNDROME 2, AUTOSOMAL RECESSIVE, WITH RECURRENT INFECTIONS; Hyper-IgE recurrent infection syndrome, autosomal recessive. Identifiers: Orphanet 217390, MedGen C4722305, MONDO:0009478, OMIM 243700.

Allele frequency attached by ClinVar (database versions not stated): gnomAD 0.00001; TOPMed 0.00001; gnomAD exomes 0.00002.
gnomAD v4.1: 31 of 1,614,092 alleles (0.0019%); highest among the groups gnomAD compares: Non-Finnish European, 0.0026%; no homozygotes.

Submissions (3):

Blueprint Genetics
Classification: Uncertain significance. Last evaluated: 2023-04-03. Review status: criteria provided, single submitter. Criteria: ACMG Guidelines, 2015. Collection method: clinical testing. Allele origin: germline.

Labcorp Genetics (formerly Invitae), Labcorp
Classification: Uncertain significance for Combined immunodeficiency due to DOCK8 deficiency. Last evaluated: 2022-10-24. Review status: criteria provided, single submitter. Criteria: Invitae Variant Classification Sherloc (09022015). Collection method: clinical testing. Allele origin: germline.
Comment: This sequence change replaces valine, which is neutral and non-polar, with isoleucine, which is neutral and non-polar, at codon 1186 of the DOCK8 protein (p.Val1186Ile). This variant is not present in population databases (gnomAD no frequency). This variant has not been reported in the literature in individuals affected with DOCK8-related conditions. Advanced modeling of protein sequence and biophysical properties (such as structural, functional, and spatial information, amino acid conservation, physicochemical variation, residue mobility, and thermodynamic stability) performed at Invitae indicates that this missense variant is not expected to disrupt DOCK8 protein function. In summary, the available evidence is currently insufficient to determine the role of this variant in disease. Therefore, it has been classified as a Variant of Uncertain Significance.

GeneDx
Classification: Uncertain significance. Last evaluated: 2022-05-05. Review status: criteria provided, single submitter. Criteria: GeneDx Variant Classification Process June 2021. Collection method: clinical testing. Allele origin: germline. Affected: yes.
Comment: Not observed at significant frequency in large population cohorts (gnomAD); In silico analysis supports that this missense variant does not alter protein structure/function; Has not been previously published as pathogenic or benign to our knowledge